The following is an entry in ClinVar:

NM_000059.4(BRCA2):c.8450G>T (p.Cys2817Phe)

Gene: BRCA2 (BRCA2 DNA repair associated; plus strand). Cytogenetic location: 13q13.1.
Variant type: single nucleotide variant.
Coding change: c.8450G>T on transcript NM_000059.4 (MANE Select); coding-DNA position 8450, G replaced by T.
Protein change: p.Cys2817Phe; replaces cysteine 2817 with phenylalanine.
Molecular consequence: missense variant.
Genome position (GRCh38, 1-based): chr13:32,370,520, G>T. VCF-style: chr13-32370520-G-T. GRCh37 (hg19) VCF-style: chr13-32944657-G-T.
Other names: short protein forms C2817F.
Identifiers: ClinVar variation 185196 (VCV000185196.30), dbSNP rs786201992, ClinGen allele CA025649.

ClinVar aggregate classification (germline): Conflicting classifications of pathogenicity. Review status: criteria provided, conflicting classifications (1 of 4 stars). 11 submissions from 11 submitters: Uncertain significance (8); Likely benign (2). 1 of the submissions does not count toward it. Last evaluated 2025-10-18.

Conditions:
Hereditary cancer-predisposing syndrome. Also called: Tumor predisposition; Hereditary Cancer Syndrome; Hereditary neoplastic syndrome; Neoplastic Syndromes, Hereditary. Identifiers: Orphanet 140162, MedGen C0027672, MeSH D009386, MONDO:0015356.
Hereditary breast ovarian cancer syndrome. Also called: Breast and ovarian cancer; Hereditary breast and ovarian cancer syndrome; Hereditary breast and ovarian cancer; BRCA1- and BRCA2-Associated Hereditary Breast and Ovarian Cancer; Hereditary breast and ovarian cancer syndrome (HBOC); Hereditary breast and/or ovarian cancer syndrome. Identifiers: Orphanet 145, MedGen C0677776, MeSH D061325, MONDO:0003582. Disease mechanism: loss of function.
Breast-ovarian cancer, familial, susceptibility to, 2 (BROVCA2). Also called: BRCA2 Hereditary Breast and Ovarian Cancer. Identifiers: Orphanet 145, MedGen C2675520, MONDO:0012933, OMIM 612555. Disease mechanism: loss of function.
Familial cancer of breast. Also called: BREAST CANCER, FAMILIAL; hereditary breast carcinoma; Hereditary breast cancer. Identifiers: Orphanet 227535, MedGen C0346153, MONDO:0016419, OMIM 114480. Disease mechanism: loss of function.

Allele frequency attached by ClinVar (database versions not stated): gnomAD exomes below 0.00001; TOPMed below 0.00001; gnomAD 0.00001.
gnomAD v4.1: 9 of 1,613,808 alleles (0.00056%); highest among the groups gnomAD compares: Non-Finnish European, 0.00076%; no homozygotes.

Submissions (11):

Labcorp Genetics (formerly Invitae), Labcorp
Classification: Uncertain significance for Hereditary breast ovarian cancer syndrome. Last evaluated: 2025-10-18. Review status: criteria provided, single submitter. Criteria: Invitae Variant Classification Sherloc (09022015). Collection method: clinical testing. Allele origin: germline.
Comment: This sequence change replaces cysteine, which is neutral and slightly polar, with phenylalanine, which is neutral and non-polar, at codon 2817 of the BRCA2 protein (p.Cys2817Phe). This variant is present in population databases (rs786201992, gnomAD no frequency). This missense change has been observed in individual(s) with breast cancer (PMID: 25186627). ClinVar contains an entry for this variant (Variation ID: 185196). Invitae Evidence Modeling incorporating data from in vitro experimental studies (PMID: 33609447) indicates that this missense variant is not expected to disrupt BRCA2 function with a negative predictive value of 95%. In summary, the available evidence is currently insufficient to determine the role of this variant in disease. Therefore, it has been classified as a Variant of Uncertain Significance.

Myriad Genetics, Inc.
Classification: Likely benign for Breast-ovarian cancer, familial, susceptibility to, 2. Last evaluated: 2025-03-27. Review status: criteria provided, single submitter. Criteria: Myriad Autosomal Dominant, Autosomal Recessive and X-Linked Classification Criteria (2023). Collection method: clinical testing. Allele origin: unknown.
Comment: This variant is considered likely benign. This variant is strongly associated with less severe personal and family histories of cancer, typical for individuals without pathogenic variants in this gene [PMID: 25085752].

Baylor Genetics
Classification: Uncertain significance for Familial cancer of breast. Last evaluated: 2023-09-07. Review status: criteria provided, single submitter. Criteria: ACMG Guidelines, 2015. Collection method: clinical testing. Allele origin: unknown.

All of Us Research Program, National Institutes of Health
Classification: Uncertain significance for Breast-ovarian cancer, familial, susceptibility to, 2. Last evaluated: 2023-08-15. Review status: criteria provided, single submitter. Criteria: ACMG Guidelines, 2015. Collection method: clinical testing. Allele origin: germline. Inheritance: Autosomal dominant inheritance. Observed: 1 variant allele, 1 heterozygote.
Comment: This missense variant replaces cysteine with phenylalanine at codon 2817 of the BRCA2 protein. Computational prediction suggests that this variant may have deleterious impact on protein structure and function (internally defined REVEL score threshold >= 0.7, PMID: 27666373). A functional study has shown this variant does not impact homology-directed DNA repair activity (PMID: 33609447). This variant has been detected in at least 3 individuals affected with breast cancer (PMID: 25186627, 33471991; Leiden Open Variation Database DB-ID BRCA2_008669; Color internal data). This variant also has been reported in 1 individual age 70 years or older without cancer in the FLOSSIES database. This variant has been identified in 1/251412 chromosomes in the general population by the Genome Aggregation Database (gnomAD). The available evidence is insufficient to determine the role of this variant in disease conclusively. Therefore, this variant is classified as a Variant of Uncertain Significance.

This study involves interpretation of variants in research participants for the purpose of population health screening. Participant phenotype was not available at the time of variant classification. Additional details can be found in publication PMID: 35346344, PMCID: PMC8962531

Color Diagnostics, LLC DBA Color Health
Classification: Uncertain significance for Hereditary cancer-predisposing syndrome. Last evaluated: 2023-07-26. Review status: criteria provided, single submitter. Criteria: ACMG Guidelines, 2015. Collection method: clinical testing. Allele origin: germline.
Comment: This missense variant replaces cysteine with phenylalanine at codon 2817 of the BRCA2 protein. Computational prediction suggests that this variant may have deleterious impact on protein structure and function (internally defined REVEL score threshold >= 0.7, PMID: 27666373). A functional study has shown this variant does not impact homology-directed DNA repair activity (PMID: 33609447). This variant has been detected in at least 3 individuals affected with breast cancer (PMID: 25186627, 33471991; Leiden Open Variation Database DB-ID BRCA2_008669; Color internal data). This variant also has been reported in 1 individual age 70 years or older without cancer in the FLOSSIES database. This variant has been identified in 1/251412 chromosomes in the general population by the Genome Aggregation Database (gnomAD). The available evidence is insufficient to determine the role of this variant in disease conclusively. Therefore, this variant is classified as a Variant of Uncertain Significance.

KCCC/NGS Laboratory, Kuwait Cancer Control Center
Classification: Uncertain significance for Breast-ovarian cancer, familial, susceptibility to, 2. Last evaluated: 2023-06-06. Review status: criteria provided, single submitter. Criteria: ACMG Guidelines, 2015. Collection method: clinical testing. Allele origin: germline. Affected: yes.
Comment: For the BRCA2 variant, The sequence change replaces cysteine with phenylalanine at codon 2817 of the BRCA2 protein (p.Cys2817Phe). The cysteine residue is highly conserved and there is a large physicochemical difference between cysteine and phenylalanine. This variant is not present in population databases (ExAC no frequency). This variant has been observed in an individual affected with breast cancer (PMID: 25186627). ClinVar contains an entry for this variant (Variation ID: 185196). In-silico simulation software to predict the effect of missense changes on protein structure and function showed (SIFT: deleterious, PolyPhen-2: probably damaging) The available evidence is currently insufficient to determine the role of this variant in disease. Therefore, it has been classified as a Variant of Uncertain Significance. Pathogenic variants in the BRCA2 gene are associated with hereditary breat/ovarian cancer syndrome. Genetic counseling is recommended.

Sema4
Classification: Uncertain significance for Hereditary cancer-predisposing syndrome. Last evaluated: 2021-04-19. Review status: criteria provided, single submitter. Criteria: Sema4 Curation Guidelines. Collection method: curation. Allele origin: germline.
Comment: The BRCA2 c.8450G>T (p.C2817F) variant has been reported in heterozygosity in at least two individuals with breast cancer though one of these individuals also had a pathogenic BRCA1 mutation (deletion exons 2-13) (PMID: 33471991, 25186627). In silico tools suggest the impact of the variant on protein function is deleterious; however, a HRD study demonstrated the normal function of the protein (PMID: 33609447). This variant was observed in 1/251412 chromosomes in the evaluated population of the Genome Aggregation Database (PMID: 32461654). This variant has been reported in ClinVar (Variation ID: 185196). The overall evidence is inconsistent with ACMG/AMP requirements for a classification of benign or pathogenic. In summary, the clinical significance of this variant is currently uncertain.

Quest Diagnostics Nichols Institute San Juan Capistrano
Classification: Uncertain significance. Last evaluated: 2020-12-02. Review status: criteria provided, single submitter. Criteria: Quest Diagnostics criteria. Collection method: clinical testing. Allele origin: unknown.

Ambry Genetics
Classification: Likely benign for Hereditary cancer-predisposing syndrome. Last evaluated: 2020-02-10. Review status: criteria provided, single submitter. Criteria: Ambry Variant Classification Scheme 2023. Collection method: clinical testing. Allele origin: germline.

Women's Health and Genetics/Laboratory Corporation of America, LabCorp
Classification: Uncertain significance. Last evaluated: 2018-01-15. Review status: criteria provided, single submitter. Criteria: LabCorp Variant Classification Summary - May 2015. Collection method: clinical testing. Allele origin: germline.
Comment: Variant summary: The c.8450G>T (p.Cys2817Phe) in BRCA2 gene is a missense variant involves a highly conserved nucleotide and 5/5 in silico tools used predict deleterious outcome. The variant is located within the second OB fold (OB2) functional domain, however no functional studies confirming an effect of this change on the protein function were published at the time of evaluation. The variant is present in the control population dataset of gnomAD (0.000004; 1/246186 chrs tested), which does not exceed the maximal expected allele frequency for a disease causing allele in BRCa2 gene (0.00075). The variant has been reported in at least one affected individual with personal and family history of BrC, who also carried a pathogenic variant in BRCA1 (Tung_2015) as well as in healthy controls (FlOSSIES db), and is cited as VUS by a reputable databases/clinical laboratories. Taken together,due to lack of segregatiaon data for the reported affected individuals, the variant was classified as VUS, until new information becomes available.

BRCAlab, Lund University
Classification: Uncertain significance for Breast-ovarian cancer, familial, susceptibility to, 2. Last evaluated: 2020-03-02. Review status: no assertion criteria provided. Collection method: clinical testing. Allele origin: germline. Affected: yes. Not counted in ClinVar's aggregate classification.

Literature cited by the submitters: PubMed 25186627 (cited by 6 submitters); PubMed 33609447 (cited by 4 submitters); PubMed 25085752 (cited by Myriad Genetics, Inc.); PubMed 33471991 (cited by 3 submitters).